The following is an entry in ClinVar:

NM_175053.4(KRT74):c.662A>T (p.Asp221Val)

Gene: KRT74 (keratin 74; minus strand). Cytogenetic location: 12q13.13.
Variant type: single nucleotide variant.
Coding change: c.662A>T on transcript NM_175053.4 (MANE Select); coding-DNA position 662, A replaced by T.
Protein change: p.Asp221Val; replaces aspartic acid 221 with valine.
Molecular consequence: missense variant.
Genome position (GRCh38, 1-based): chr12:52,572,477, T>A on the plus strand (A>T on the coding strand, the complement: KRT74 is on the minus strand). VCF-style: chr12-52572477-T-A. GRCh37 (hg19) VCF-style: chr12-52966261-T-A.
Other names: c.662A>T (NM_175053.3); short protein forms D221V.
Identifiers: ClinVar variation 2969893 (VCV002969893.4), dbSNP rs776065861, ClinGen allele CA6584030.

ClinVar aggregate classification (germline): Uncertain significance. Review status: criteria provided, multiple submitters, no conflicts (2 of 4 stars). 2 submissions from 2 submitters: Uncertain significance (2). Last evaluated 2025-07-10.

Allele frequency attached by ClinVar (database versions not stated): gnomAD 0.00007; ExAC 0.00002; gnomAD exomes 0.00002; TOPMed 0.00012.
gnomAD v4.1: 39 of 1,613,948 alleles (0.0024%); highest among the groups gnomAD compares: African/African-American, 0.044%; no homozygotes.

Submissions (2):

Labcorp Genetics (formerly Invitae), Labcorp
Classification: Uncertain significance. Last evaluated: 2025-07-10. Review status: criteria provided, single submitter. Criteria: Invitae Variant Classification Sherloc (09022015). Collection method: clinical testing. Allele origin: germline.
Comment: This sequence change replaces aspartic acid, which is acidic and polar, with valine, which is neutral and non-polar, at codon 221 of the KRT74 protein (p.Asp221Val). This variant is present in population databases (rs776065861, gnomAD 0.03%). This variant has not been reported in the literature in individuals affected with KRT74-related conditions. ClinVar contains an entry for this variant (Variation ID: 2969893). Invitae Evidence Modeling of protein sequence and biophysical properties (such as structural, functional, and spatial information, amino acid conservation, physicochemical variation, residue mobility, and thermodynamic stability) indicates that this missense variant is not expected to disrupt KRT74 protein function with a negative predictive value of 80%. In summary, the available evidence is currently insufficient to determine the role of this variant in disease. Therefore, it has been classified as a Variant of Uncertain Significance.

Ambry Genetics
Classification: Uncertain significance. Last evaluated: 2024-02-28. Review status: criteria provided, single submitter. Criteria: Ambry Variant Classification Scheme 2023. Collection method: clinical testing. Allele origin: germline.